The following is an entry in ClinVar:

ClinVar aggregate classification (germline): Likely benign. Review status: criteria provided, single submitter (1 of 4 stars). 2 submissions from 2 submitters: Likely benign (1). 1 of the submissions does not count toward it. Last evaluated 2025-11-01.

Conditions:
CEMIP-related disorder. Also called: CEMIP-related condition.

Allele frequency attached by ClinVar (database versions not stated): ExAC 0.00046; 1000 Genomes Project 30x 0.00078; 1000 Genomes Project 0.00100; gnomAD 0.00121; TOPMed 0.00121; ESP Exome Variant Server 0.00146.
gnomAD v4.1: 448 of 1,614,252 alleles (0.028%); highest among the groups gnomAD compares: African/African-American, 0.43%; 1 homozygote.

Submissions (2):

CeGaT Center for Human Genetics Tuebingen
Classification: Likely benign. Last evaluated: 2025-11-01. Review status: criteria provided, single submitter. Criteria: CeGaT Center For Human Genetics Tuebingen Variant Classification Criteria Version 2. Collection method: clinical testing. Allele origin: germline. Affected: yes. Observed: 1 variant allele.
Comment: CEMIP: BP4, BP7

PreventionGenetics, part of Exact Sciences
Classification: Likely benign for CEMIP-related condition. Last evaluated: 2019-02-21. Review status: no assertion criteria provided. Collection method: clinical testing. Allele origin: germline. Not counted in ClinVar's aggregate classification.
Comment: This variant is classified as likely benign based on ACMG/AMP sequence variant interpretation guidelines (Richards et al. 2015 PMID: 25741868, with internal and published modifications).

NM_001293298.2(CEMIP):c.2121C>T (p.Ser707=)

Gene: CEMIP (cell migration inducing hyaluronidase 1; plus strand). Cytogenetic location: 15q25.1.
Variant type: single nucleotide variant.
Coding change: c.2121C>T on transcript NM_001293298.2 (MANE Select); coding-DNA position 2121, C replaced by T.
Protein change: p.Ser707=; no amino-acid change (serine 707 retained).
Molecular consequence: synonymous variant.
Genome position (GRCh38, 1-based): chr15:80,922,056, C>T. VCF-style: chr15-80922056-C-T. GRCh37 (hg19) VCF-style: chr15-81214397-C-T.
Other names: c.2121C>T, p.Ser707= (NM_001293304.2, NM_018689.3).
Identifiers: ClinVar variation 3048312 (VCV003048312.8), dbSNP rs138671244, ClinGen allele CA7693171.
Genomic context (GRCh38, chr15:80,922,056, plus strand): 5'-CCTTCCCCAACAGGAAACTGGATTTTGGTTTATTTTTCACCACGTACCAACGGGCCCCTC[C>T]GTGGGAATGTACTCCCCAGGTTATTCAGAGCACATTCCACTGGGAAAATTCTATAACAAC-3'
Protein context (NP_001280227.1, residues 697-717): FIFHHVPTGP[Ser707=]VGMYSPGYSE